The following is an entry in ClinVar:

ClinVar aggregate classification (germline): Pathogenic. Review status: reviewed by expert panel (3 of 4 stars). 2 submissions from 2 submitters: Pathogenic (1). 1 of the submissions does not count toward it. Last evaluated 2016-10-18.

Conditions:
Breast-ovarian cancer, familial, susceptibility to, 2 (BROVCA2). Also called: BRCA2 Hereditary Breast and Ovarian Cancer. Identifiers: Orphanet 145, MedGen C2675520, MONDO:0012933, OMIM 612555. Disease mechanism: loss of function.

Submissions (2):

Evidence-based Network for the Interpretation of Germline Mutant Alleles (ENIGMA)
Classification: Pathogenic for Breast-ovarian cancer, familial, susceptibility to, 2. Last evaluated: 2016-10-18. Review status: reviewed by expert panel. Criteria: ENIGMA BRCA1/2 Classification Criteria (2015). Collection method: curation. Allele origin: germline.
Comment: Variant allele predicted to encode a truncated non-functional protein.

Consortium of Investigators of Modifiers of BRCA1/2 (CIMBA), c/o University of Cambridge
Classification: Pathogenic for Breast-ovarian cancer, familial, susceptibility to, 2. Last evaluated: 2015-10-02. Review status: criteria provided, single submitter. Criteria: CIMBA Mutation Classification guidelines May 2016. Collection method: clinical testing. Allele origin: germline. Not counted in ClinVar's aggregate classification.

NM_000059.4(BRCA2):c.3283del (p.Gln1095fs)

Gene: BRCA2 (BRCA2 DNA repair associated; plus strand). Cytogenetic location: 13q13.1.
Variant type: Deletion.
Coding change: c.3283del on transcript NM_000059.4 (MANE Select); coding-DNA position 3283, one base deleted (C; older notation c.3283delC).
Protein change: p.Gln1095fs; shifts the reading frame from glutamine 1095.
Molecular consequence: frameshift variant.
Genome position (GRCh38, 1-based): chr13:32,337,638, C deleted. VCF-style (leftmost placement, unchanged base first): chr13-32337637-GC-G. GRCh37 (hg19) VCF-style: chr13-32911774-GC-G.
Other names: 3511delC; short protein forms Q1095fs.
Identifiers: ClinVar variation 266744 (VCV000266744.5), dbSNP rs886040468, ClinGen allele CA10589196.